The following is an entry in ClinVar:

NM_005144.5(HR):c.2779C>T (p.Arg927Cys)

Gene: HR (HR lysine demethylase and nuclear receptor corepressor; minus strand). Cytogenetic location: 8p21.3.
Variant type: single nucleotide variant.
Coding change: c.2779C>T on transcript NM_005144.5 (MANE Select); coding-DNA position 2779, C replaced by T.
Protein change: p.Arg927Cys; replaces arginine 927 with cysteine.
Molecular consequence: missense variant.
Genome position (GRCh38, 1-based): chr8:22,120,171, G>A on the plus strand (C>T on the coding strand, the complement: HR is on the minus strand). VCF-style: chr8-22120171-G-A. GRCh37 (hg19) VCF-style: chr8-21977684-G-A.
Other names: c.2779C>T, p.Arg927Cys (NM_018411.4); short protein forms R927C.
Identifiers: ClinVar variation 2713293 (VCV002713293.3), dbSNP rs201385099, ClinGen allele CA4662012.

ClinVar aggregate classification (germline): Uncertain significance (1 of 4 stars; one submission).

Allele frequency attached by ClinVar (database versions not stated): gnomAD 0.00005; TOPMed 0.00005; gnomAD exomes 0.00009; ExAC 0.00015; 1000 Genomes Project 30x 0.00031; 1000 Genomes Project 0.00040.

Submission:

Labcorp Genetics (formerly Invitae), Labcorp
Classification: Uncertain significance. Last evaluated: 2023-10-14. Review status: criteria provided, single submitter. Criteria: Invitae Variant Classification Sherloc (09022015). Collection method: clinical testing. Allele origin: germline.
Comment: This sequence change replaces arginine, which is basic and polar, with cysteine, which is neutral and slightly polar, at codon 927 of the HR protein (p.Arg927Cys). The frequency data for this variant in the population databases is considered unreliable, as metrics indicate poor data quality at this position in the gnomAD database. This variant has not been reported in the literature in individuals affected with HR-related conditions. An algorithm developed to predict the effect of missense changes on protein structure and function (PolyPhen-2) suggests that this variant is likely to be disruptive. In summary, the available evidence is currently insufficient to determine the role of this variant in disease. Therefore, it has been classified as a Variant of Uncertain Significance.